The following is an entry in ClinVar:

ClinVar aggregate classification (germline): Pathogenic. Review status: criteria provided, multiple submitters, no conflicts (2 of 4 stars). 12 submissions from 12 submitters: Pathogenic (7). 5 of the submissions do not count toward it. Last evaluated 2025-09-10.

Conditions:
GLDC-related disorders.
Glycine encephalopathy 1 (GCE1). Identifiers: MedGen CN376801, MONDO:0958179, OMIM 605899.
Glycine encephalopathy. Also called: Nonketotic hyperglycinemia; Non-ketotic hyperglycinemia. Identifiers: Orphanet 407, MedGen C0751748, MONDO:0011612, HP:0008288.

Allele frequency attached by ClinVar (database versions not stated): gnomAD exomes 0.00004 and 0.00002; ExAC 0.00001; gnomAD 0.00001; TOPMed 0.00001.
gnomAD v4.1: 58 of 1,613,244 alleles (0.0036%); highest among the groups gnomAD compares: Non-Finnish European, 0.0043%; no homozygotes.

Submissions (12):

Labcorp Genetics (formerly Invitae), Labcorp
Classification: Pathogenic for Glycine encephalopathy. Last evaluated: 2025-09-10. Review status: criteria provided, single submitter. Criteria: Invitae Variant Classification Sherloc (09022015). Collection method: clinical testing. Allele origin: germline.
Comment: This sequence change replaces threonine, which is neutral and polar, with methionine, which is neutral and non-polar, at codon 269 of the GLDC protein (p.Thr269Met). This variant is present in population databases (rs386833587, gnomAD 0.006%). This missense change has been observed in individual(s) with nonketotic hyperglycinemia (PMID: 16450403, 16601880, 27362913). ClinVar contains an entry for this variant (Variation ID: 56104). Invitae Evidence Modeling of protein sequence and biophysical properties (such as structural, functional, and spatial information, amino acid conservation, physicochemical variation, residue mobility, and thermodynamic stability) has been performed for this missense variant. However, the output from this modeling did not meet the statistical confidence thresholds required to predict the impact of this variant on GLDC protein function. Experimental studies have shown that this missense change affects GLDC function (PMID: 26179960). For these reasons, this variant has been classified as Pathogenic.

Natera, Inc.
Classification: Pathogenic for Non-ketotic hyperglycinemia. Last evaluated: 2025-06-02. Review status: criteria provided, single submitter. Criteria: Natera Variant Classification Schema (03/2026). Collection method: clinical testing. Allele origin: germline.
Comment: The c.806C>T variant in GLDC is a missense variant predicted to cause substitution of threonine to methionine at amino acid 269. This variant is rare in the general population with a frequency below the threshold expected for the associated phenotype(s). This variant has been observed in one or more individuals affected with the associated recessive disease, as either homozygous or compound heterozygous with a second variant (PMID: 27362913). Additionally, this variant has been observed to segregate in affected family members (PMID: 27362913). Computational prediction algorithms indicate this variant is likely to affect gene or protein function. Given the available evidence, this variant is classified as Pathogenic.

Fulgent Genetics
Classification: Pathogenic for Glycine encephalopathy 1. Last evaluated: 2023-12-20. Review status: criteria provided, single submitter. Criteria: ACMG Guidelines, 2015. Collection method: clinical testing. Allele origin: germline.

Blueprint Genetics
Classification: Pathogenic for GLDC-related disorders. Last evaluated: 2023-08-29. Review status: criteria provided, single submitter. Criteria: ACMG Guidelines, 2015. Collection method: clinical testing. Allele origin: germline. Affected: yes. Observed: 2 variant alleles.

Genetics and Molecular Pathology, SA Pathology
Classification: Pathogenic for Glycine encephalopathy 1. Last evaluated: 2023-07-07. Review status: criteria provided, single submitter. Criteria: ACMG Guidelines, 2015. Collection method: clinical testing. Allele origin: germline. Inheritance: Autosomal recessive inheritance. Affected: yes.
Comment: The GLDC c.806C>T variant is classified as PATHOGENIC (PS3, PS4, PP3) The GLDC c.806C>T variant is a single nucleotide change in exon 6/25 of the GLDC gene, which is predicted to change the amino acid threonine at position 269 in the protein to methionine. This variant has been reported in both homozygous and compound heterozygous state in multiple individuals with Glycine encephalopathy (PMID:16450403, PMID:16601880, PMID:27362913) (PS4). Functional studies show <10% of normal enzyme activity compared to wildtype (PMID:26179960) (PS3). Computational predictions support a deleterious effect on the gene or gene product (PP3). The variant has been reported in dbSNP (rs386833587) and in the HGMD database: CM042354. It has been reported as Pathogenic/Likely pathogenic by other diagnostic laboratories (ClinVar Variation ID: 56104).

GeneDx
Classification: Pathogenic. Last evaluated: 2022-03-18. Review status: criteria provided, single submitter. Criteria: GeneDx Variant Classification Process June 2021. Collection method: clinical testing. Allele origin: germline. Affected: yes.
Comment: Published functional studies demonstrate that this variant leads to an unstable protein and reduced enzyme activity (Swanson et al., 2015); Not observed at a significant frequency in large population cohorts (gnomAD); In silico analysis supports that this missense variant has a deleterious effect on protein structure/function; This variant is associated with the following publications: (PMID: 15272469, 26179960, 16601880, 16450403, 27362913)

Women's Health and Genetics/Laboratory Corporation of America, LabCorp
Classification: Pathogenic for Non-ketotic hyperglycinemia. Last evaluated: 2018-09-28. Review status: criteria provided, single submitter. Criteria: LabCorp Variant Classification Summary - May 2015. Collection method: clinical testing. Allele origin: germline.
Comment: Variant summary: GLDC c.806C>T (p.Thr269Met) results in a non-conservative amino acid change in the encoded protein sequence. Five of five in-silico tools predict a damaging effect of the variant on protein function. The variant allele was found at a frequency of 1.6e-05 in 246244 control chromosomes. c.806C>T has been reported in the literature in multiple individuals affected with Glycine Encephalopathy (Non-Ketotic Hyperglycinemia) both as a compound heterozygous and homozygous allele (Conter_2006, Coughlin_2017). These data indicate that the variant is very likely to be associated with disease. At least one publication reports experimental evidence evaluating an impact on residual enzyme activity, where <10% of normal activity was observed in vitro (Swanson_2015). One clinical diagnostic laboratory has submitted clinical-significance assessments for this variant to ClinVar after 2014 without evidence for independent evaluation and classified the variant as likely pathogenic. Based on the evidence outlined above, the variant was classified as pathogenic.

Counsyl
Classification: Likely pathogenic for Glycine encephalopathy 1. Last evaluated: 2017-08-16. Review status: no assertion criteria provided. Collection method: clinical testing. Allele origin: unknown. Not counted in ClinVar's aggregate classification.

Diagnostic Laboratory, Department of Genetics, University Medical Center Groningen
Classification: Pathogenic. Review status: no assertion criteria provided. Collection method: clinical testing. Allele origin: germline. Affected: yes. Study: VKGL Data-share Consensus. Not counted in ClinVar's aggregate classification.

Genome Diagnostics Laboratory, Amsterdam University Medical Center
Classification: Likely pathogenic. Review status: no assertion criteria provided. Collection method: clinical testing. Allele origin: germline. Affected: yes. Study: VKGL Data-share Consensus. Not counted in ClinVar's aggregate classification.

Genome Diagnostics Laboratory, University Medical Center Utrecht
Classification: Pathogenic. Review status: no assertion criteria provided. Collection method: clinical testing. Allele origin: germline. Affected: yes. Study: VKGL Data-share Consensus. Not counted in ClinVar's aggregate classification.

Juha Muilu Group; Institute for Molecular Medicine Finland (FIMM)
Classification: Likely pathogenic for Non-ketotic hyperglycinemia. Review status: no assertion criteria provided. Collection method: not provided. Allele origin: unknown. Not counted in ClinVar's aggregate classification.
Comment: FinDis database variant: This variant was not found or characterized by our laboratory, data were collected from public sources: see reference
ClinVar note: Converted during submission from probable-pathogenic to Likely pathogenic.

Literature cited by the submitters: PubMed 16450403 (cited by 3 submitters); PubMed 16601880 (cited by 4 submitters); PubMed 27362913 (cited by 4 submitters); PubMed 26179960 (cited by 4 submitters).

NM_000170.3(GLDC):c.806C>T (p.Thr269Met)

Gene: GLDC (glycine decarboxylase; minus strand). Cytogenetic location: 9p24.1.
Variant type: single nucleotide variant.
Coding change: c.806C>T on transcript NM_000170.3 (MANE Select); coding-DNA position 806, C replaced by T.
Protein change: p.Thr269Met; replaces threonine 269 with methionine.
Molecular consequence: missense variant.
Genome position (GRCh38, 1-based): chr9:6,605,186, G>A on the plus strand (C>T on the coding strand, the complement: GLDC is on the minus strand). VCF-style: chr9-6605186-G-A. GRCh37 (hg19) VCF-style: chr9-6605186-G-A.
Other names: short protein forms T269M.
Identifiers: ClinVar variation 56104 (VCV000056104.30), dbSNP rs386833587, ClinGen allele CA263439.
Genomic context (GRCh38, chr9:6,605,186, plus strand): 5'-CCTACCCCACTCTGATGAGCTCTCTCCACGAGTTCCGTAAAGTCTTCCACCTTCCCCTCC[G>A]TGTCTGGGTACTGGAACAACACTCCACTGACATCTTTTCCACTGAAGTCCATTTCACAGG-3'
Protein context (NP_000161.2, residues 259-279): VSGVLFQYPD[Thr269Met]EGKVEDFTEL